The following is an entry in ClinVar:

NM_000350.3(ABCA4):c.4978C>T (p.Pro1660Ser)

Genes: ABCA4 (ATP binding cassette subfamily A member 4; minus strand), LOC126805793 (CDK7 strongly-dependent group 2 enhancer GRCh37_chr1:94486302-94487501; plus strand). Cytogenetic location: 1p22.1.
Variant type: single nucleotide variant.
Coding change: c.4978C>T on transcript NM_000350.3 (MANE Select); coding-DNA position 4978, C replaced by T.
Protein change: p.Pro1660Ser; replaces proline 1660 with serine.
Molecular consequence: missense variant.
Genome position (GRCh38, 1-based): chr1:94,021,280, G>A on the plus strand (C>T on the coding strand, the complement: ABCA4 is on the minus strand). VCF-style: chr1-94021280-G-A. GRCh37 (hg19) VCF-style: chr1-94486836-G-A.
Other names: c.4756C>T, p.Pro1586Ser (NM_001425324.1); short protein forms P1660S, P1586S.
Identifiers: ClinVar variation 1048159 (VCV001048159.15), dbSNP rs1211325812, ClinGen allele CA341282967.

ClinVar aggregate classification (germline): Conflicting classifications of pathogenicity. Review status: criteria provided, conflicting classifications (1 of 4 stars). 7 submissions from 7 submitters: Pathogenic (1); Likely pathogenic (3); Uncertain significance (1). 2 of the submissions do not count toward it. Last evaluated 2024-08-05.

Conditions:
ABCA4-related disorder. Also called: ABCA4-related disorders; ABCA4-related condition. Identifiers: MedGen CN239167.
Severe early-childhood-onset retinal dystrophy (STGD1). Also called: STGD; Stargardt macular dystrophy; Juvenile onset macular degeneration; Stargardt disease 1; MACULAR DYSTROPHY WITH FLECKS, TYPE 1. Identifiers: Orphanet 364055, Orphanet 827, MedGen C1855465, MeSH D000080362, MONDO:0009549, OMIM 248200.
Retinitis pigmentosa (RP). Identifiers: Orphanet 791, MedGen C0035334, MeSH D012174, MONDO:0019200, OMIM 268000. Inheritance: Autosomal dominant, autosomal recessive and X linked inheritance.

Allele frequency attached by ClinVar (database versions not stated): gnomAD exomes 0.00001.
gnomAD v4.1: 6 of 1,614,206 alleles (0.00037%); highest among the groups gnomAD compares: Non-Finnish European, 0.00042%; no homozygotes.

Submissions (7):

Women's Health and Genetics/Laboratory Corporation of America, LabCorp
Classification: Likely pathogenic for Retinitis pigmentosa. Last evaluated: 2024-08-05. Review status: criteria provided, single submitter. Criteria: LabCorp Variant Classification Summary - May 2015. Collection method: clinical testing. Allele origin: germline.
Comment: Variant summary: ABCA4 c.4978C>T (p.Pro1660Ser) results in a non-conservative amino acid change located in the ABC-2 type transporter, transmembrane domain (IPR013525) of the encoded protein sequence. Five of five in-silico tools predict a damaging effect of the variant on protein function. The variant allele was found at a frequency of 8e-06 in 251454 control chromosomes. c.4978C>T has been reported in the literature in individuals affected with Retinitis Pigmentosa/ inherited retinal dystrophy (Cideciyan_2012, Pfau_2022, Lin_2022, Weisschuh_J2024). These data indicate that the variant is likely to be associated with disease. To our knowledge, no experimental evidence demonstrating an impact on protein function has been reported. The following publications have been ascertained in the context of this evaluation (PMID: 22247458, 38219857, 35076026, 37734845). ClinVar contains an entry for this variant (Variation ID: 1048159). Based on the evidence outlined above, the variant was classified as likely pathogenic.

Labcorp Genetics (formerly Invitae), Labcorp
Classification: Pathogenic. Last evaluated: 2024-06-21. Review status: criteria provided, single submitter. Criteria: Invitae Variant Classification Sherloc (09022015). Collection method: clinical testing. Allele origin: germline.
Comment: This sequence change replaces proline, which is neutral and non-polar, with serine, which is neutral and polar, at codon 1660 of the ABCA4 protein (p.Pro1660Ser). This variant is present in population databases (no rsID available, gnomAD 0.002%). This missense change has been observed in individuals with inherited retinal dystrophy (PMID: 22247458; Invitae). ClinVar contains an entry for this variant (Variation ID: 1048159). Advanced modeling of protein sequence and biophysical properties (such as structural, functional, and spatial information, amino acid conservation, physicochemical variation, residue mobility, and thermodynamic stability) performed at Invitae indicates that this missense variant is expected to disrupt ABCA4 protein function with a positive predictive value of 95%. This variant disrupts the p.Pro1660 amino acid residue in ABCA4. Other variant(s) that disrupt this residue have been observed in individuals with ABCA4-related conditions (PMID: 28118664), which suggests that this may be a clinically significant amino acid residue. For these reasons, this variant has been classified as Pathogenic.

Blueprint Genetics
Classification: Likely pathogenic for ABCA4-related disorders. Last evaluated: 2022-03-17. Review status: criteria provided, single submitter. Criteria: ACMG Guidelines, 2015. Collection method: clinical testing. Allele origin: germline. Affected: yes. Observed: 2 variant alleles.

Broad Center for Mendelian Genomics, Broad Institute of MIT and Harvard
Classification: Uncertain significance for Retinitis pigmentosa. Last evaluated: 2021-04-01. Review status: criteria provided, single submitter. Criteria: ACMG Guidelines, 2015. Collection method: curation. Allele origin: germline. Inheritance: Autosomal recessive inheritance. Affected: yes.
Comment: Through a review of available evidence we were able to apply the following criteria: PM2. Based on this evidence we have classified this variant as a Variant of Uncertain Significance. If you have any questions about the classification please reach out to the Pierce Lab.

Institute of Medical Molecular Genetics, University of Zurich
Classification: Likely pathogenic for Severe early-childhood-onset retinal dystrophy. Last evaluated: 2021-01-30. Review status: criteria provided, single submitter. Criteria: ACMG Guidelines, 2015. Collection method: clinical testing. Allele origin: unknown. Affected: yes.

PreventionGenetics, part of Exact Sciences
Classification: Pathogenic for ABCA4-related condition. Last evaluated: 2024-08-22. Review status: no assertion criteria provided. Collection method: clinical testing. Allele origin: germline. Not counted in ClinVar's aggregate classification.
Comment: The ABCA4 c.4978C>T variant is predicted to result in the amino acid substitution p.Pro1660Ser. This variant has been reported along with a second ABCA4 variant in several individuals with inherited retinal disease (Cideciyan et al. 2012. PubMed ID: 22247458; Table S2, Schulz et al. 2017. PubMed ID: 28118664; Table S2, Zampaglione et al. 2020. PubMed ID: 32037395; Table S1, Weisschuh et al. 2024. PubMed ID: 37734845). This variant is reported in 0.0018% of alleles in individuals of European (Non-Finnish) descent in gnomAD. Given the evidence, we interpret this variant as pathogenic.

Ophthalmo-Genetics Lab, Instituto de Oftalmologia Conde de Valenciana
Classification: Pathogenic for Severe early-childhood-onset retinal dystrophy. Review status: no assertion criteria provided. Collection method: research. Allele origin: germline. Inheritance: Autosomal recessive inheritance. Affected: yes. Not counted in ClinVar's aggregate classification.

Literature cited by the submitters: PubMed 22247458 (cited by 4 submitters); PubMed 37734845 (cited by Women's Health and Genetics/Laboratory Corporation of America, LabCorp); PubMed 38219857 (cited by Women's Health and Genetics/Laboratory Corporation of America, LabCorp); PubMed 35076026 (cited by Women's Health and Genetics/Laboratory Corporation of America, LabCorp); PubMed 28118664 (cited by Labcorp Genetics (formerly Invitae), Labcorp); PubMed 34906470 (cited by Broad Center for Mendelian Genomics, Broad Institute of MIT and Harvard).